The following is an entry in ClinVar:

NM_001556.3(IKBKB):c.1667A>G (p.Gln556Arg)

Gene: IKBKB (inhibitor of nuclear factor kappa B kinase subunit beta; plus strand). Cytogenetic location: 8p11.21.
Variant type: single nucleotide variant.
Coding change: c.1667A>G on transcript NM_001556.3 (MANE Select); coding-DNA position 1667, A replaced by G.
Protein change: p.Gln556Arg; replaces glutamine 556 with arginine.
Molecular consequence: missense variant. On other transcripts: non-coding transcript variant (3).
Genome position (GRCh38, 1-based): chr8:42,320,823, A>G. VCF-style: chr8-42320823-A-G. GRCh37 (hg19) VCF-style: chr8-42178341-A-G.
Other names: c.1475A>G, p.Gln492Arg (NM_001190720.3); c.1490A>G, p.Gln497Arg (NM_001242778.2); short protein forms Q492R, Q497R, Q556R.
Identifiers: ClinVar variation 3600858 (VCV003600858.1).

ClinVar aggregate classification (germline): Uncertain significance (1 of 4 stars; one submission).

gnomAD v4.1: 2 of 1,600,764 alleles (0.00012%); no homozygotes.

Submission:

GeneDx
Classification: Uncertain significance. Last evaluated: 2024-07-21. Review status: criteria provided, single submitter. Criteria: GeneDx Variant Classification Process June 2021. Collection method: clinical testing. Allele origin: germline. Affected: yes.
Comment: Not observed at significant frequency in large population cohorts (gnomAD); In silico analysis indicates that this missense variant does not alter protein structure/function; Has not been previously published as pathogenic or benign to our knowledge